The following is an entry in ClinVar:

ClinVar aggregate classification (germline): Benign/Likely benign. Review status: criteria provided, single submitter (1 of 4 stars). 2 submissions from 1 submitter: Benign (1); Likely benign (1). Last evaluated 2018-01-13.

Conditions:
Leigh syndrome (NULS). Also called: Leigh Disease; Subacute necrotizing encephalopathy; Leigh Syndrome (mtDNA deletion); Leigh's syndrome; Leigh's necrotizing encephalopathy; Leigh's disease. Identifiers: Orphanet 506, MedGen C2931891, MONDO:0009723, OMIM 256000.
Mitochondrial complex I deficiency, nuclear type 1. Also called: NADH-COENZYME Q REDUCTASE DEFICIENCY; MITOCHONDRIAL NADH DEHYDROGENASE COMPONENT OF COMPLEX I, DEFICIENCY OF. Identifiers: MedGen C6022305, MONDO:0100224, OMIM 252010.

Allele frequency attached by ClinVar (database versions not stated): 1000 Genomes Project 0.02077; gnomAD exomes 0.00107; gnomAD 0.00263 and 0.00437; TOPMed 0.00361; 1000 Genomes Project 30x 0.01874.
gnomAD v4.1: 1,385 of 734,796 alleles (0.19%); highest among the groups gnomAD compares: East Asian, 4.1%; 30 homozygotes.

Submissions (2):

Illumina Laboratory Services, Illumina
Classification: Likely benign for Mitochondrial complex I deficiency, nuclear type 1. Last evaluated: 2018-01-13. Review status: criteria provided, single submitter. Criteria: ICSL Variant Classification Criteria 13 December 2019. Collection method: clinical testing. Allele origin: germline.
Comment: This variant was observed in the ICSL laboratory as part of a predisposition screen in an ostensibly healthy population. It had not been previously curated by ICSL or reported in the Human Gene Mutation Database (HGMD: prior to June 1st, 2018), and was therefore a candidate for classification through an automated scoring system. Utilizing variant allele frequency, disease prevalence and penetrance estimates, and inheritance mode, an automated score was calculated to assess if this variant is too frequent to cause the disease. Based on the score and internal cut-off values, a variant classified as likely benign is not then subjected to further curation. The score for this variant resulted in a classification of likely benign for this disease.

Illumina Laboratory Services, Illumina
Classification: Benign for Leigh syndrome. Last evaluated: 2018-01-13. Review status: criteria provided, single submitter. Criteria: ICSL Variant Classification Criteria 13 December 2019. Collection method: clinical testing. Allele origin: germline.
Comment: This variant was observed in the ICSL laboratory as part of a predisposition screen in an ostensibly healthy population. It had not been previously curated by ICSL or reported in the Human Gene Mutation Database (HGMD: prior to June 1st, 2018), and was therefore a candidate for classification through an automated scoring system. Utilizing variant allele frequency, disease prevalence and penetrance estimates, and inheritance mode, an automated score was calculated to assess if this variant is too frequent to cause the disease. Based on the score and internal cut-off values, a variant classified as benign is not then subjected to further curation. The score for this variant resulted in a classification of benign for this disease.

NM_004544.4(NDUFA10):c.*1382C>T

Gene: NDUFA10 (NADH:ubiquinone oxidoreductase subunit A10; minus strand). Cytogenetic location: 2q37.3.
Variant type: single nucleotide variant.
Coding change: c.*1382C>T on transcript NM_004544.4 (MANE Select); 1382 bases downstream of the stop codon, C replaced by T.
Molecular consequence: 3 prime UTR variant. On other transcripts: non-coding transcript variant (3).
Genome position (GRCh38, 1-based): chr2:239,959,736, G>A on the plus strand (C>T on the coding strand, the complement: NDUFA10 is on the minus strand). VCF-style: chr2-239959736-G-A. GRCh37 (hg19) VCF-style: chr2-240899153-G-A.
Other names: c.*1387C>T (NM_001322020.2).
Identifiers: ClinVar variation 898573 (VCV000898573.4), dbSNP rs111337344, ClinGen allele CA15182384.